The following is an entry in ClinVar:

ClinVar aggregate classification (germline): Uncertain significance. Review status: criteria provided, multiple submitters, no conflicts (2 of 4 stars). 2 submissions from 2 submitters: Uncertain significance (2). Last evaluated 2026-04-29.

Conditions:
Dilated cardiomyopathy 1W (CMD1W). Identifiers: Orphanet 154, MedGen C1969639, MONDO:0012667, OMIM 611407.

Allele frequency attached by ClinVar (database versions not stated): gnomAD exomes below 0.00001; TOPMed below 0.00001; gnomAD 0.00001; ExAC 0.00002.
gnomAD v4.1: 4 of 1,614,186 alleles (0.00025%); highest among the groups gnomAD compares: East Asian, 0.0089%; no homozygotes.

Submissions (2):

Women's Health and Genetics/Laboratory Corporation of America, LabCorp
Classification: Uncertain significance. Last evaluated: 2026-04-29. Review status: criteria provided, single submitter. Criteria: LabCorp Variant Classification Summary - May 2015. Collection method: clinical testing. Allele origin: germline.
Comment: Variant summary: VCL c.1402A>G (p.Thr468Ala) results in a non-conservative amino acid change in the encoded protein sequence. Algorithms developed to predict the effect of missense changes on protein structure and function are either unavailable or do not agree on the potential impact of this missense change. The variant allele was found at a frequency of 8e-06 in 251314 control chromosomes. The available data on variant occurrences in the general population are insufficient to allow any conclusion about variant significance. To our knowledge, no occurrence of c.1402A>G in individuals affected with VCL-related conditions and no experimental evidence demonstrating its impact on protein function have been reported. ClinVar contains an entry for this variant (Variation ID: 2178208). Based on the evidence outlined above, the variant was classified as uncertain significance.

Labcorp Genetics (formerly Invitae), Labcorp
Classification: Uncertain significance for Dilated cardiomyopathy 1W. Last evaluated: 2026-01-27. Review status: criteria provided, single submitter. Criteria: Invitae Variant Classification Sherloc (09022015). Collection method: clinical testing. Allele origin: germline.
Comment: This sequence change replaces threonine, which is neutral and polar, with alanine, which is neutral and non-polar, at codon 468 of the VCL protein (p.Thr468Ala). This variant is present in population databases (rs778480026, gnomAD 0.01%). This variant has not been reported in the literature in individuals affected with VCL-related conditions. ClinVar contains an entry for this variant (Variation ID: 2178208). An algorithm developed to predict the effect of missense changes on protein structure and function (PolyPhen-2) suggests that this variant is likely to be tolerated. In summary, the available evidence is currently insufficient to determine the role of this variant in disease. Therefore, it has been classified as a Variant of Uncertain Significance.

NM_014000.3(VCL):c.1402A>G (p.Thr468Ala)

Gene: VCL (vinculin; plus strand). Cytogenetic location: 10q22.2.
Variant type: single nucleotide variant.
Coding change: c.1402A>G on transcript NM_014000.3 (MANE Select); coding-DNA position 1402, A replaced by G.
Protein change: p.Thr468Ala; replaces threonine 468 with alanine.
Molecular consequence: missense variant.
Genome position (GRCh38, 1-based): chr10:74,094,320, A>G. VCF-style: chr10-74094320-A-G. GRCh37 (hg19) VCF-style: chr10-75854078-A-G.
Other names: c.1402A>G, p.Thr468Ala (NM_003373.4); short protein forms T468A.
Identifiers: ClinVar variation 2178208 (VCV002178208.4), dbSNP rs778480026, ClinGen allele CA5563003.